The following is an entry in ClinVar:

NM_212482.4(FN1):c.4352C>T (p.Ser1451Phe)

Gene: FN1 (fibronectin 1; minus strand). Cytogenetic location: 2q35.
Variant type: single nucleotide variant.
Coding change: c.4352C>T on transcript NM_212482.4 (MANE Select); coding-DNA position 4352, C replaced by T.
Protein change: p.Ser1451Phe; replaces serine 1451 with phenylalanine.
Molecular consequence: missense variant.
Genome position (GRCh38, 1-based): chr2:215,386,949, G>A on the plus strand (C>T on the coding strand, the complement: FN1 is on the minus strand). VCF-style: chr2-215386949-G-A. GRCh37 (hg19) VCF-style: chr2-216251672-G-A.
Other names: c.4352C>T, p.Ser1451Phe (NM_001306129.2, NM_001306130.2, NM_001365517.2 and 3 more transcripts); c.4079C>T, p.Ser1360Phe (NM_001306131.2, NM_001306132.2, NM_001365518.2 and 7 more transcripts); c.4352C>T (NM_212482.1); short protein forms S1360F, S1451F.
Identifiers: ClinVar variation 2994211 (VCV002994211.4), dbSNP rs200328497, ClinGen allele CA2094434.

ClinVar aggregate classification (germline): Uncertain significance. Review status: criteria provided, multiple submitters, no conflicts (2 of 4 stars). 2 submissions from 2 submitters: Uncertain significance (2). Last evaluated 2024-06-17.

Conditions:
Inborn genetic diseases. Identifiers: MedGen C0950123, MeSH D030342.

Allele frequency attached by ClinVar (database versions not stated): TOPMed below 0.00001; ExAC 0.00001; gnomAD 0.00002.
gnomAD v4.1: 85 of 1,611,058 alleles (0.0053%); highest among the groups gnomAD compares: Non-Finnish European, 0.007%; no homozygotes.

Submissions (2):

Ambry Genetics
Classification: Uncertain significance for Inborn genetic diseases. Last evaluated: 2024-06-17. Review status: criteria provided, single submitter. Criteria: Ambry Variant Classification Scheme 2023. Collection method: clinical testing. Allele origin: germline.

Labcorp Genetics (formerly Invitae), Labcorp
Classification: Uncertain significance. Last evaluated: 2023-06-04. Review status: criteria provided, single submitter. Criteria: Invitae Variant Classification Sherloc (09022015). Collection method: clinical testing. Allele origin: germline.
Comment: This variant has not been reported in the literature in individuals affected with FN1-related conditions. The frequency data for this variant in the population databases is considered unreliable, as metrics indicate poor data quality at this position in the gnomAD database. An algorithm developed to predict the effect of missense changes on protein structure and function (PolyPhen-2) suggests that this variant is likely to be disruptive. In summary, the available evidence is currently insufficient to determine the role of this variant in disease. Therefore, it has been classified as a Variant of Uncertain Significance. This sequence change replaces serine, which is neutral and polar, with phenylalanine, which is neutral and non-polar, at codon 1451 of the FN1 protein (p.Ser1451Phe).